The following is an entry in ClinVar:

ClinVar aggregate classification (germline): Uncertain significance. Review status: criteria provided, multiple submitters, no conflicts (2 of 4 stars). 6 submissions from 5 submitters: Uncertain significance (6). Last evaluated 2024-11-19.

Conditions:
APOB-related disorder. Also called: APOB-related condition; APOB-related disorders.
Cardiovascular phenotype. Identifiers: MedGen CN230736.
Familial hypobetalipoproteinemia 1. Also called: APOB-Related Familial Hypobetalipoproteinemia; Hypobetalipoproteinemia, normotriglyceridemic; Acanthocytosis with hypobetalipoproteinemia. Identifiers: MedGen C4551990, MONDO:0014252, OMIM 615558.
Hypercholesterolemia, autosomal dominant, type B (FHCL2). Also called: Hyperlipoproteinemia Type IIb; APOLIPOPROTEIN B-100, FAMILIAL DEFECTIVE; APOLIPOPROTEIN B-100, FAMILIAL LIGAND-DEFECTIVE; HYPERCHOLESTEROLEMIA, FAMILIAL, DUE TO LIGAND-DEFECTIVE APOLIPOPROTEIN B; APOB-Related Familial Hypercholesterolemia, Autosomal Dominant; Familial Hypercholesterolemia Type B. Identifiers: MedGen C1704417, MONDO:0007751, OMIM 144010.

Allele frequency attached by ClinVar (database versions not stated): TOPMed 0.00002.
gnomAD v4.1: 15 of 1,614,154 alleles (0.00093%); highest among the groups gnomAD compares: Non-Finnish European, 0.0013%; no homozygotes.

Submissions (6):

Labcorp Genetics (formerly Invitae), Labcorp
Classification: Uncertain significance for Familial hypobetalipoproteinemia 1; Hypercholesterolemia, autosomal dominant, type B. Last evaluated: 2024-11-19. Review status: criteria provided, single submitter. Criteria: Invitae Variant Classification Sherloc (09022015). Collection method: clinical testing. Allele origin: germline.
Comment: This sequence change replaces aspartic acid, which is acidic and polar, with glutamic acid, which is acidic and polar, at codon 2021 of the APOB protein (p.Asp2021Glu). This variant is present in population databases (no rsID available, gnomAD 0.002%). This variant has not been reported in the literature in individuals affected with APOB-related conditions. ClinVar contains an entry for this variant (Variation ID: 897402). Invitae Evidence Modeling of protein sequence and biophysical properties (such as structural, functional, and spatial information, amino acid conservation, physicochemical variation, residue mobility, and thermodynamic stability) indicates that this missense variant is not expected to disrupt APOB protein function with a negative predictive value of 95%. In summary, the available evidence is currently insufficient to determine the role of this variant in disease. Therefore, it has been classified as a Variant of Uncertain Significance.

Ambry Genetics
Classification: Uncertain significance for Cardiovascular phenotype. Last evaluated: 2023-12-30. Review status: criteria provided, single submitter. Criteria: Ambry Variant Classification Scheme 2023. Collection method: clinical testing. Allele origin: germline.
Comment: The p.D2021E variant (also known as c.6063C>G), located in coding exon 26 of the APOB gene, results from a C to G substitution at nucleotide position 6063. The aspartic acid at codon 2021 is replaced by glutamic acid, an amino acid with highly similar properties. This amino acid position is conserved. In addition, this alteration is predicted to be tolerated by in silico analysis. Since supporting evidence is limited at this time, the clinical significance of this alteration remains unclear.

PreventionGenetics, part of Exact Sciences
Classification: Uncertain significance for APOB-related condition. Last evaluated: 2023-08-21. Review status: criteria provided, single submitter. Criteria: ACMG Guidelines, 2015. Collection method: clinical testing. Allele origin: germline.
Comment: The APOB c.6063C>G variant is predicted to result in the amino acid substitution p.Asp2021Glu. To our knowledge, this variant has not been reported in the literature. This variant is reported in 0.0018% of alleles in individuals of European (Non-Finnish) descent in gnomAD. At this time, the clinical significance of this variant is uncertain due to the absence of conclusive functional and genetic evidence.

Fulgent Genetics
Classification: Uncertain significance for Hypercholesterolemia, autosomal dominant, type B; Familial hypobetalipoproteinemia 1. Last evaluated: 2021-08-17. Review status: criteria provided, single submitter. Criteria: ACMG Guidelines, 2015. Collection method: clinical testing. Allele origin: unknown.

Illumina Laboratory Services, Illumina
Classification: Uncertain significance for Familial hypobetalipoproteinemia 1. Last evaluated: 2018-01-13. Review status: criteria provided, single submitter. Criteria: ICSL Variant Classification Criteria 13 December 2019. Collection method: clinical testing. Allele origin: germline.

Illumina Laboratory Services, Illumina
Classification: Uncertain significance for Hypercholesterolemia, autosomal dominant, type B. Last evaluated: 2018-01-13. Review status: criteria provided, single submitter. Criteria: ICSL Variant Classification Criteria 13 December 2019. Collection method: clinical testing. Allele origin: germline.

NM_000384.3(APOB):c.6063C>G (p.Asp2021Glu)

Gene: APOB (apolipoprotein B; minus strand). Cytogenetic location: 2p24.1.
Variant type: single nucleotide variant.
Coding change: c.6063C>G on transcript NM_000384.3 (MANE Select); coding-DNA position 6063, C replaced by G.
Protein change: p.Asp2021Glu; replaces aspartic acid 2021 with glutamic acid.
Molecular consequence: missense variant.
Genome position (GRCh38, 1-based): chr2:21,010,805, G>C on the plus strand (C>G on the coding strand, the complement: APOB is on the minus strand). VCF-style: chr2-21010805-G-C. GRCh37 (hg19) VCF-style: chr2-21233677-G-C.
Other names: short protein forms D2021E.
Identifiers: ClinVar variation 897402 (VCV000897402.14), dbSNP rs556582055, ClinGen allele CA43505799.